The following is an entry in ClinVar:

ClinVar aggregate classification (germline): Uncertain significance (1 of 4 stars; one submission).

Conditions:
Muscular dystrophy-dystroglycanopathy (congenital with impaired intellectual development), type B, 14. Also called: Congenital muscular dystrophy-dystroglycanopathy with mental retardation, type B14; Muscular dystrophy-dystroglycanopathy (congenital with intellectual disability), type B14; MUSCULAR DYSTROPHY, CONGENITAL, GMPPB-RELATED. Identifiers: MedGen C3809221, MONDO:0014141, OMIM 615351.
Autosomal recessive limb-girdle muscular dystrophy type 2T. Also called: MUSCULAR DYSTROPHY-DYSTROGLYCANOPATHY, LIMB-GIRDLE, GMPPB-RELATED; MUSCULAR DYSTROPHY, LIMB-GIRDLE, TYPE 2T; Muscular dystrophy-dystroglycanopathy (limb-girdle), type c, 14; Limb-girdle muscular dystrophy-dystroglycanopathy, type C14. Identifiers: Orphanet 363623, MedGen C4518000, MONDO:0014142, OMIM 615352.
Muscular dystrophy-dystroglycanopathy (congenital with brain and eye anomalies), type A14. Also called: Congenital muscular dystrophy-dystroglycanopathy with brain and eye anomalies, type A14; WALKER-WARBURG SYNDROME OR MUSCLE-EYE-BRAIN DISEASE, GMPPB-RELATED; Muscular dystrophy-dystroglycanopathy (congenital with brain and eye anomalies), type a, 14; Congenital Muscular Dystrophy-Dystroglycanopathy with Brain and Eye Anomalies Type A 14. Identifiers: Orphanet 588, MedGen C3809216, MONDO:0014140, OMIM 615350.

gnomAD v4.1: 4 of 1,614,042 alleles (0.00025%); highest among the groups gnomAD compares: Admixed American, 0.0017%; no homozygotes.

Submission:

Labcorp Genetics (formerly Invitae), Labcorp
Classification: Uncertain significance for Autosomal recessive limb-girdle muscular dystrophy type 2T; Muscular dystrophy-dystroglycanopathy (congenital with brain and eye anomalies), type A14; Muscular dystrophy-dystroglycanopathy (congenital with impaired intellectual development), type B, 14. Last evaluated: 2022-07-12. Review status: criteria provided, single submitter. Criteria: Invitae Variant Classification Sherloc (09022015). Collection method: clinical testing. Allele origin: germline.
Comment: In summary, the available evidence is currently insufficient to determine the role of this variant in disease. Therefore, it has been classified as a Variant of Uncertain Significance. Advanced modeling of protein sequence and biophysical properties (such as structural, functional, and spatial information, amino acid conservation, physicochemical variation, residue mobility, and thermodynamic stability) performed at Invitae indicates that this missense variant is not expected to disrupt GMPPB protein function. ClinVar contains an entry for this variant (Variation ID: 1497213). This variant has not been reported in the literature in individuals affected with GMPPB-related conditions. This variant is present in population databases (no rsID available, gnomAD 0.003%). This sequence change replaces valine, which is neutral and non-polar, with leucine, which is neutral and non-polar, at codon 323 of the GMPPB protein (p.Val323Leu).

NM_021971.4(GMPPB):c.967G>T (p.Val323Leu)

Gene: GMPPB (GDP-mannose pyrophosphorylase B; minus strand). Cytogenetic location: 3p21.31.
Variant type: single nucleotide variant.
Coding change: c.967G>T on transcript NM_021971.4 (MANE Select); coding-DNA position 967, G replaced by T.
Protein change: p.Val323Leu; replaces valine 323 with leucine.
Molecular consequence: missense variant.
Genome position (GRCh38, 1-based): chr3:49,721,868, C>A on the plus strand (G>T on the coding strand, the complement: GMPPB is on the minus strand). VCF-style: chr3-49721868-C-A. GRCh37 (hg19) VCF-style: chr3-49759301-C-A.
Other names: c.1048G>T, p.Val350Leu (NM_013334.4); short protein forms V323L, V350L.
Identifiers: ClinVar variation 1497213 (VCV001497213.4), dbSNP rs758284245, ClinGen allele CA352826307.
Genomic context (GRCh38, chr3:49,721,868, plus strand): 5'-CGCTGGCTCCGTTGAGGTAGAGCTCATCATTAACTATGACGTCCTCACCCAGCACTGTCA[C>A]GTTCTCCATGCGTACCTCCAGGAGAGGATAGGCCTTGTCAGGGAGGCAGGCACACTCCCC-3'
Protein context (NP_068806.2, residues 313-333): RVGQWVRMEN[Val323Leu]TVLGEDVIVN